The following is an entry in ClinVar:

NM_138615.3(DHX30):c.1511G>C (p.Ser504Thr)

Gene: DHX30 (DExH-box helicase 30; plus strand). Cytogenetic location: 3p21.31.
Variant type: single nucleotide variant.
Coding change: c.1511G>C on transcript NM_138615.3 (MANE Select); coding-DNA position 1511, G replaced by C.
Protein change: p.Ser504Thr; replaces serine 504 with threonine.
Molecular consequence: missense variant.
Genome position (GRCh38, 1-based): chr3:47,846,583, G>C. VCF-style: chr3-47846583-G-C. GRCh37 (hg19) VCF-style: chr3-47888073-G-C.
Other names: c.1427G>C, p.Ser476Thr (NM_001330990.2); c.1394G>C, p.Ser465Thr (NM_014966.4); short protein forms S465T, S476T, S504T.
Identifiers: ClinVar variation 1311384 (VCV001311384.2), dbSNP rs775225208, ClinGen allele CA352586745.

ClinVar aggregate classification (germline): Uncertain significance (1 of 4 stars; one submission).

Submission:

GeneDx
Classification: Uncertain significance. Last evaluated: 2019-12-26. Review status: criteria provided, single submitter. Criteria: GeneDx Variant Classification Process June 2021. Collection method: clinical testing. Allele origin: germline. Affected: yes.
Comment: Not observed in large population cohorts (Lek et al., 2016); In silico analysis, which includes protein predictors and evolutionary conservation, supports that this variant does not alter protein structure/function; Has not been previously published as pathogenic or benign to our knowledge